The following is an entry in ClinVar:

ClinVar aggregate classification (germline): Pathogenic/Likely pathogenic. Review status: criteria provided, multiple submitters, no conflicts (2 of 4 stars). 4 submissions from 4 submitters: Pathogenic (2); Likely pathogenic (2). Last evaluated 2026-09-20.

Conditions:
Cardiac valvular dysplasia, X-linked (CVDPX). Also called: MYXOMATOUS VALVULAR DYSTROPHY, X-LINKED; VALVULAR HEART DISEASE, CONGENITAL; Congenital valvular dysplasia; Isolated X-Linked Cardiac Valvular Dysplasia; FLNA-Related X-linked Cardiac Valvular Dysplasia. Identifiers: Orphanet 1864, Orphanet 555877, Orphanet 75497, MedGen C0262436, MONDO:0010753, OMIM 314400.
Oto-palato-digital syndrome, type II (OPD2). Also called: FACIOPALATOOSSEOUS SYNDROME; OPD II SYNDROME; Otopalatodigital Syndrome Type 2 (FLNA-OPD2); Otopalatodigital Syndrome, Type II. Identifiers: Orphanet 669, Orphanet 90652, MedGen C1844696, MONDO:0010571, OMIM 304120.
Frontometaphyseal dysplasia (FMD1). Identifiers: Orphanet 1826, MedGen C0265293, MONDO:0015942.
Heterotopia, periventricular, X-linked dominant (PVNH1). Also called: PERIVENTRICULAR NODULAR HETEROTOPIA 1; X-linked periventricular heterotopia; PERIVENTRICULAR NODULAR HETEROTOPIA 4; HETEROTOPIA, PERIVENTRICULAR, 1. Identifiers: Orphanet 2149, Orphanet 82004, MedGen C1848213, MONDO:0010233, OMIM 300049.
Melnick-Needles syndrome (MNS). Also called: MELNICK-NEEDLES OSTEODYSPLASTY; OSTEODYSPLASTY OF MELNICK AND NEEDLES; Melnick-Needles Syndrome (FLNA-MNS). Identifiers: Orphanet 2484, MedGen C0025237, MONDO:0010650, OMIM 309350.

Allele frequency attached by ClinVar (database versions not stated): gnomAD exomes below 0.00001; TOPMed 0.00001; gnomAD 0.00001.
gnomAD v4.1: 4 of 1,209,462 alleles (0.00033%); highest among the groups gnomAD compares: Non-Finnish European, 0.00045%; no homozygotes.

Submissions (4):

GeneDx
Classification: Likely pathogenic. Last evaluated: 2026-09-20. Review status: criteria provided, single submitter. Criteria: GeneDx Variant Classification Process June 2021. Collection method: clinical testing. Allele origin: germline.
Comment: Not observed at significant frequency in large population cohorts (gnomAD); In silico analysis supports that this missense variant has a deleterious effect on protein structure/function; This variant is associated with the following publications: (PMID: 26804200, 33149276, Huno2025[article], 26686323, 40883083, 40264431, 31561939, Huno2025[Article])

Labcorp Genetics (formerly Invitae), Labcorp
Classification: Pathogenic for Oto-palato-digital syndrome, type II; Heterotopia, periventricular, X-linked dominant; Frontometaphyseal dysplasia; Melnick-Needles syndrome. Last evaluated: 2025-10-26. Review status: criteria provided, single submitter. Criteria: Invitae Variant Classification Sherloc (09022015). Collection method: clinical testing. Allele origin: germline.
Comment: This sequence change replaces glycine, which is neutral and non-polar, with arginine, which is basic and polar, at codon 1576 of the FLNA protein (p.Gly1576Arg). This variant is not present in population databases (gnomAD no frequency). This missense change has been observed in individual(s) with X-linked FLNA related syndrome (PMID: 26686323, 26804200). It has also been observed to segregate with disease in related individuals. ClinVar contains an entry for this variant (Variation ID: 209154). Invitae Evidence Modeling of protein sequence and biophysical properties (such as structural, functional, and spatial information, amino acid conservation, physicochemical variation, residue mobility, and thermodynamic stability) has been performed for this missense variant. However, the output from this modeling did not meet the statistical confidence thresholds required to predict the impact of this variant on FLNA protein function. For these reasons, this variant has been classified as Pathogenic.

Mayo Clinic Laboratories, Mayo Clinic
Classification: Pathogenic. Last evaluated: 2022-03-16. Review status: criteria provided, single submitter. Criteria: ACMG Guidelines, 2015. Collection method: clinical testing. Allele origin: germline. Observed: 1 variant allele.
Comment: PP1_strong, PP2, PP3, PP4, PM2_supporting

Baylor Genetics
Classification: Likely pathogenic for Cardiac valvular dysplasia, X-linked. Last evaluated: 2013-10-15. Review status: criteria provided, single submitter. Criteria: Yang et al. 2013. Collection method: clinical testing. Allele origin: maternal. Inheritance: X-linked inheritance. Affected: yes. Observed: 1 variant allele, 1 hemizygote. Study: Adult_WES.

Literature cited by the submitters: PubMed 26686323 (cited by Labcorp Genetics (formerly Invitae), Labcorp and Mayo Clinic Laboratories, Mayo Clinic); PubMed 26804200 (cited by Labcorp Genetics (formerly Invitae), Labcorp and Mayo Clinic Laboratories, Mayo Clinic); PubMed 19006219 (cited by Mayo Clinic Laboratories, Mayo Clinic); PubMed 26633545 (cited by Baylor Genetics).

NM_001110556.2(FLNA):c.4726G>A (p.Gly1576Arg)

Gene: FLNA (filamin A; minus strand). Cytogenetic location: Xq28.
Variant type: single nucleotide variant.
Coding change: c.4726G>A on transcript NM_001110556.2 (MANE Select); coding-DNA position 4726, G replaced by A.
Protein change: p.Gly1576Arg; replaces glycine 1576 with arginine.
Molecular consequence: missense variant.
Genome position (GRCh38, 1-based): chrX:154,358,228, C>T on the plus strand (G>A on the coding strand, the complement: FLNA is on the minus strand). VCF-style: chrX-154358228-C-T. GRCh37 (hg19) VCF-style: chrX-153586596-C-T.
Other names: p.Gly1576Arg; c.4726G>A, p.Gly1576Arg (NM_001456.4); short protein forms G1576R.
Identifiers: ClinVar variation 209154 (VCV000209154.15), dbSNP rs797045044, ClinGen allele CA250342.